The following is an entry in ClinVar:

ClinVar aggregate classification (germline): Likely benign. Review status: criteria provided, multiple submitters, no conflicts (2 of 4 stars). 4 submissions from 4 submitters: Likely benign (4). Last evaluated 2025-12-21.

Conditions:
Inborn genetic diseases. Identifiers: MedGen C0950123, MeSH D030342.
Pitt-Hopkins-like syndrome 2 (PTHSL2). Identifiers: Orphanet 221150, Orphanet 600663, MedGen C3280479, MONDO:0013690, OMIM 614325.
NRXN1-related disorder.

Allele frequency attached by ClinVar (database versions not stated): gnomAD exomes 0.00004; ExAC 0.00005; gnomAD 0.00013 and 0.00014; ESP Exome Variant Server 0.00017; TOPMed 0.00019.
gnomAD v4.1: 58 of 1,519,200 alleles (0.0038%); highest among the groups gnomAD compares: African/African-American, 0.058%; no homozygotes.

Submissions (4):

Labcorp Genetics (formerly Invitae), Labcorp
Classification: Likely benign for Pitt-Hopkins-like syndrome 2. Last evaluated: 2025-12-21. Review status: criteria provided, single submitter. Criteria: Invitae Variant Classification Sherloc (09022015). Collection method: clinical testing. Allele origin: germline.

PreventionGenetics, part of Exact Sciences
Classification: Likely benign for NRXN1-related condition. Last evaluated: 2025-11-26. Review status: criteria provided, single submitter. Criteria: ACMG Guidelines, 2015. Collection method: clinical testing. Allele origin: germline.
Comment: This variant is classified as likely benign based on ACMG/AMP sequence variant interpretation guidelines (Richards et al. 2015 PMID: 25741868, with internal and published modifications).

GeneDx
Classification: Likely benign. Last evaluated: 2021-05-20. Review status: criteria provided, single submitter. Criteria: GeneDx Variant Classification Process June 2021. Collection method: clinical testing. Allele origin: germline. Affected: yes.

Ambry Genetics
Classification: Likely benign for Inborn genetic diseases. Last evaluated: 2017-12-15. Review status: criteria provided, single submitter. Criteria: Ambry Variant Classification Scheme 2023. Collection method: clinical testing. Allele origin: germline.

NM_001330078.2(NRXN1):c.108C>T (p.Ala36=)

Gene: NRXN1 (neurexin 1; minus strand). Cytogenetic location: 2p16.3.
Variant type: single nucleotide variant.
Coding change: c.108C>T on transcript NM_001330078.2 (MANE Select); coding-DNA position 108, C replaced by T.
Protein change: p.Ala36=; no amino-acid change (alanine 36 retained).
Molecular consequence: synonymous variant.
Genome position (GRCh38, 1-based): chr2:51,028,166, G>A on the plus strand (C>T on the coding strand, the complement: NRXN1 is on the minus strand). VCF-style: chr2-51028166-G-A. GRCh37 (hg19) VCF-style: chr2-51255304-G-A.
Other names: c.108C>T, p.Ala36= (NM_001135659.3, NM_001330077.2, NM_001330079.2 and 15 more transcripts); c.108C>T (NM_001135659.2).
Identifiers: ClinVar variation 379356 (VCV000379356.18), dbSNP rs199871750, ClinGen allele CA1655559.
Genomic context (GRCh38, chr2:51,028,166, plus strand): 5'-GAAGCTCATCTCGCTCTCGCAGCAGGCGTTCCACTTGGGGAAGCGCGTCCATTGGCCCTC[G>A]GCGCCCGGAAACTCCAGCCCGCTGCCCAGCTCCGCCCAGCAGCCCAGGAGCAGCAGCGAG-3'
Protein context (NP_001317007.1, residues 26-46): ELGSGLEFPG[Ala36=]EGQWTRFPKW